The following is an entry in ClinVar:

NM_001165963.4(SCN1A):c.200A>T (p.Asp67Val)

Gene: SCN1A (sodium voltage-gated channel alpha subunit 1; minus strand). Cytogenetic location: 2q24.3.
Variant type: single nucleotide variant.
Coding change: c.200A>T on transcript NM_001165963.4 (MANE Select); coding-DNA position 200, A replaced by T.
Protein change: p.Asp67Val; replaces aspartic acid 67 with valine.
Molecular consequence: missense variant. On other transcripts: 5 prime UTR variant (1), non-coding transcript variant (1).
Genome position (GRCh38, 1-based): chr2:166,073,422, T>A on the plus strand (A>T on the coding strand, the complement: SCN1A is on the minus strand). VCF-style: chr2-166073422-T-A. GRCh37 (hg19) VCF-style: chr2-166929932-T-A.
Other names: c.200A>T, p.Asp67Val (NM_001165964.3, NM_001202435.3, NM_001353948.2 and 10 more transcripts); c.-2226A>T (NM_001353961.2); short protein forms D67V.
Identifiers: ClinVar variation 1312342 (VCV001312342.2), dbSNP rs2105982601, ClinGen allele CA349242835.
Genomic context (GRCh38, chr2:166,073,422, plus strand): 5'-TTATTGATATAGTAGGGGTCCAGGTCCTCCAGGGGCTCTGACACCATCTCTGGAGGAATG[T>A]CTCCATAAATAAATGGAAGGTTCTTTCCAGCTTCCAAGTCACTATTTGGCTTTGGGCCAT-3'
Protein context (NP_001159435.1, residues 57-77): AGKNLPFIYG[Asp67Val]IPPEMVSEPL

ClinVar aggregate classification (germline): Uncertain significance (1 of 4 stars; one submission).

Submission:

GeneDx
Classification: Uncertain significance. Last evaluated: 2019-10-01. Review status: criteria provided, single submitter. Criteria: GeneDx Variant Classification Process June 2021. Collection method: clinical testing. Allele origin: germline. Affected: yes.
Comment: Not observed in large population cohorts (Lek et al., 2016); The majority of missense variants in this gene are considered pathogenic (Stenson et al., 2014); In silico analysis, which includes protein predictors and evolutionary conservation, supports a deleterious effect; Has not been previously published as pathogenic or benign to our knowledge